The following is an entry in ClinVar:

ClinVar aggregate classification (germline): Uncertain significance (1 of 4 stars; one submission).

Conditions:
Thrombocytopenia 5 (THC5). Also called: THROMBOCYTOPENIA 5 WITH INCREASED SUSCEPTIBILITY TO MALIGNANCY; THROMBOCYTOPENIA, AUTOSOMAL DOMINANT, 5. Identifiers: MedGen C4015537, MONDO:0014536, OMIM 616216.

gnomAD v4.1: 2 of 1,614,244 alleles (0.00012%); highest among the groups gnomAD compares: Non-Finnish European, 0.00017%; no homozygotes.

Submission:

3billion
Classification: Uncertain significance for Thrombocytopenia 5. Last evaluated: 2025-05-29. Review status: criteria provided, single submitter. Criteria: ACMG Guidelines, 2015. Collection method: clinical testing. Allele origin: germline. Affected: yes.
Comment: The variant is observed at an extremely low frequency in the gnomAD v4.1.0 dataset (total allele frequency: <0.001%). Predicted Consequence/Location: Missense variant. The majority of the known disease-causing variants of this gene are variants expected to result in premature termination of the protein. In silico tool predictions suggest damaging effect of the variant on gene or gene product [3Cnet: 0.92 (> 0.75, sensitivity 0.96 and precision 0.92)]. A different missense change at the same codon (p.Ile358Met) has been reported to be associated with ETV6-related disorder (PMID: 27663637). However the evidence of pathogenicity is insufficient at this time. Therefore, this variant is classified as VUS according to the recommendation of ACMG/AMP guideline.

Literature cited by the submitters: PubMed 27663637.

NM_001987.5(ETV6):c.1072A>G (p.Ile358Val)

Genes: ETV6 (ETS variant transcription factor 6; plus strand), LOC126861452 (CDK7 strongly-dependent group 2 enhancer GRCh37_chr12:12037195-12038394; plus strand). Cytogenetic location: 12p13.2.
Variant type: single nucleotide variant.
Coding change: c.1072A>G on transcript NM_001987.5 (MANE Select); coding-DNA position 1072, A replaced by G.
Protein change: p.Ile358Val; replaces isoleucine 358 with valine.
Molecular consequence: missense variant. On other transcripts: intron variant (1).
Genome position (GRCh38, 1-based): chr12:11,884,507, A>G. VCF-style: chr12-11884507-A-G. GRCh37 (hg19) VCF-style: chr12-12037441-A-G.
Other names: c.1069A>G, p.Ile357Val (NM_001413913.1); c.1045A>G, p.Ile349Val (NM_001413914.1); c.808A>G, p.Ile270Val (NM_001413915.1); c.1010-6434A>G (NM_001413917.1); short protein forms I270V, I349V, I357V, I358V.
Identifiers: ClinVar variation 4855810 (VCV004855810.1).